The following is an entry in ClinVar:

ClinVar aggregate classification (germline): Benign (1 of 4 stars; one submission).

Allele frequency attached by ClinVar (database versions not stated): gnomAD exomes 0.44076; 1000 Genomes Project 0.44556; 1000 Genomes Project 30x 0.45057; gnomAD 0.48971 and 0.49856; TOPMed 0.50741.
gnomAD v4.1: 290,403 of 645,540 alleles (45%); highest among the groups gnomAD compares: African/African-American, 63%; 47,332 homozygotes.

Submission:

GeneDx
Classification: Benign. Last evaluated: 2018-06-14. Review status: criteria provided, single submitter. Criteria: GeneDx Variant Classification (06012015). Collection method: clinical testing. Allele origin: germline. Affected: yes.
Comment: This variant is considered likely benign or benign based on one or more of the following criteria: it is a conservative change, it occurs at a poorly conserved position in the protein, it is predicted to be benign by multiple in silico algorithms, and/or has population frequency not consistent with disease.

NM_000533.5(PLP1):c.5-111T>C

Genes: PLP1 (proteolipid protein 1; plus strand), RAB9B (RAB9B, member RAS oncogene family; minus strand). Cytogenetic location: Xq22.2.
Variant type: single nucleotide variant.
Coding change: c.5-111T>C on transcript NM_000533.5 (MANE Select); 111 bases into the intron before coding-DNA position 5, T replaced by C.
Molecular consequence: intron variant.
Genome position (GRCh38, 1-based): chrX:103,785,471, T>C. VCF-style: chrX-103785471-T-C. GRCh37 (hg19) VCF-style: chrX-103040400-T-C.
Other names: c.5-111T>C (NM_001128834.3, NM_199478.3); c.5-276T>C (NM_001305004.1).
Identifiers: ClinVar variation 670482 (VCV000670482.1), dbSNP rs2233696, ClinGen allele CA16007308.